The following is an entry in ClinVar:

NM_000338.3(SLC12A1):c.1300G>A (p.Gly434Arg)

Gene: SLC12A1 (solute carrier family 12 member 1; plus strand). Cytogenetic location: 15q21.1.
Variant type: single nucleotide variant.
Coding change: c.1300G>A on transcript NM_000338.3 (MANE Select); coding-DNA position 1300, G replaced by A.
Protein change: p.Gly434Arg; replaces glycine 434 with arginine.
Molecular consequence: missense variant.
Genome position (GRCh38, 1-based): chr15:48,241,599, G>A. VCF-style: chr15-48241599-G-A. GRCh37 (hg19) VCF-style: chr15-48533796-G-A.
Other names: c.1300G>A, p.Gly434Arg (NM_001184832.2, NM_001384136.1); short protein forms G434R.
Identifiers: ClinVar variation 2633995 (VCV002633995.6), dbSNP rs1380626543, ClinGen allele CA392310063.
Genomic context (GRCh38, chr15:48,241,599, plus strand): 5'-GGAACCATGCTGGCCATTTTCATCACCACTGTTGCCTACTTAGGGGTTGCAATTTGTGTA[G>A]GTAAGTGGTACGTCTCCAGTGTCAGAATGTCAGAATTACGAGGGGTCCAGTTGTTCACGT-3'
Protein context (NP_000329.2, residues 424-444): VAYLGVAICV[Gly434Arg]ACVVRDATGN

ClinVar aggregate classification (germline): Conflicting classifications of pathogenicity. Review status: criteria provided, conflicting classifications (1 of 4 stars). 3 submissions from 3 submitters: Likely pathogenic (1); Uncertain significance (1). 1 of the submissions does not count toward it. Last evaluated 2025-05-01.

Conditions:
SLC12A1-related disorder. Also called: SLC12A1-related condition.
Inborn genetic diseases. Identifiers: MedGen C0950123, MeSH D030342.

Allele frequency attached by ClinVar (database versions not stated): gnomAD 0.00001.

Submissions (3):

Ambry Genetics
Classification: Likely pathogenic for Inborn genetic diseases. Last evaluated: 2025-05-01. Review status: criteria provided, single submitter. Criteria: Ambry Variant Classification Scheme 2023. Collection method: clinical testing. Allele origin: germline.
Comment: The c.1300G>A (p.G434R) alteration is located in exon 10 (coding exon 9) of the SLC12A1 gene. This alteration results from a G to A substitution at nucleotide position 1300, causing the glycine (G) at amino acid position 434 to be replaced by an arginine (R). This change occurs in the last base pair of coding exon9, which makes it likely to have some effect on normal mRNA splicing. Based on data from gnomAD, the A allele has an overall frequency of 0.003% (1/31398) total alleles studied. The highest observed frequency was 0.012% (1/8712) of African alleles. This variant has been identified in conjunction with other SLC12A1 variant(s) in individual(s) with features consistent with SLC12A1-related Bartter syndrome; in at least one instance, the variants were identified in trans (external communication). This nucleotide position is well conserved in available vertebrate species. This amino acid position is not well conserved in available vertebrate species. The in silico prediction for this amino acid alteration is inconclusive. The in silico splice site analysis predicts that this nucleotide alteration will weaken the native splice donor site. Based on the available evidence, this alteration is classified as likely pathogenic.

Labcorp Genetics (formerly Invitae), Labcorp
Classification: Uncertain significance. Last evaluated: 2025-02-19. Review status: criteria provided, single submitter. Criteria: Invitae Variant Classification Sherloc (09022015). Collection method: clinical testing. Allele origin: germline.
Comment: This sequence change replaces glycine, which is neutral and non-polar, with arginine, which is basic and polar, at codon 434 of the SLC12A1 protein (p.Gly434Arg). This variant also falls at the last nucleotide of exon 10, which is part of the consensus splice site for this exon. This variant is present in population databases (no rsID available, gnomAD 0.01%). This missense change has been observed in individual(s) with Bartter syndrome (internal data). ClinVar contains an entry for this variant (Variation ID: 2633995). Invitae Evidence Modeling of protein sequence and biophysical properties (such as structural, functional, and spatial information, amino acid conservation, physicochemical variation, residue mobility, and thermodynamic stability) indicates that this missense variant is expected to disrupt SLC12A1 protein function with a positive predictive value of 80%. Variants that disrupt the consensus splice site are a relatively common cause of aberrant splicing (PMID: 17576681, 9536098). Algorithms developed to predict the effect of sequence changes on RNA splicing suggest that this variant may disrupt the consensus splice site. In summary, the available evidence is currently insufficient to determine the role of this variant in disease. Therefore, it has been classified as a Variant of Uncertain Significance.

PreventionGenetics, part of Exact Sciences
Classification: Likely pathogenic for SLC12A1-related condition. Last evaluated: 2023-10-18. Review status: no assertion criteria provided. Collection method: clinical testing. Allele origin: germline. Not counted in ClinVar's aggregate classification.
Comment: The SLC12A1 c.1300G>A variant is predicted to result in the amino acid substitution p.Gly434Arg. This variant affects the last nucleotide of exon 10 and is predicted to weaken the donor splice site (SpliceAI, Jaganathan K, et al. 2019. PubMed ID: 30661751). To our knowledge, this variant has not been reported in the literature. This variant is reported in 0.011% of alleles in individuals of African descent in gnomAD. Given the evidence, we interpret this variant as likely pathogenic.

Literature cited by the submitters: PubMed 17576681 (cited by Labcorp Genetics (formerly Invitae), Labcorp); PubMed 9536098 (cited by Labcorp Genetics (formerly Invitae), Labcorp).